The following is an entry in ClinVar:

ClinVar aggregate classification (germline): Uncertain significance (1 of 4 stars; one submission).

Conditions:
Fanconi anemia (FA). Also called: Fanconi's anemia. Identifiers: Orphanet 84, MedGen C0015625, MeSH D005199, MONDO:0019391.

gnomAD v4.1: 3 of 1,614,134 alleles (0.00019%); highest among the groups gnomAD compares: Non-Finnish European, 0.00025%; no homozygotes.

Submission:

Labcorp Genetics (formerly Invitae), Labcorp
Classification: Uncertain significance for Fanconi anemia. Last evaluated: 2024-04-01. Review status: criteria provided, single submitter. Criteria: Invitae Variant Classification Sherloc (09022015). Collection method: clinical testing. Allele origin: germline.
Comment: This sequence change replaces serine, which is neutral and polar, with isoleucine, which is neutral and non-polar, at codon 1206 of the SLX4 protein (p.Ser1206Ile). This variant is present in population databases (rs756528917, gnomAD 0.0009%). This variant has not been reported in the literature in individuals affected with SLX4-related conditions. An algorithm developed to predict the effect of missense changes on protein structure and function (PolyPhen-2) suggests that this variant is likely to be disruptive. In summary, the available evidence is currently insufficient to determine the role of this variant in disease. Therefore, it has been classified as a Variant of Uncertain Significance.

NM_032444.4(SLX4):c.3617G>T (p.Ser1206Ile)

Gene: SLX4 (SLX4 structure-specific endonuclease subunit; minus strand). Cytogenetic location: 16p13.3.
Variant type: single nucleotide variant.
Coding change: c.3617G>T on transcript NM_032444.4 (MANE Select); coding-DNA position 3617, G replaced by T.
Protein change: p.Ser1206Ile; replaces serine 1206 with isoleucine.
Molecular consequence: missense variant.
Genome position (GRCh38, 1-based): chr16:3,590,021, C>A on the plus strand (G>T on the coding strand, the complement: SLX4 is on the minus strand). VCF-style: chr16-3590021-C-A. GRCh37 (hg19) VCF-style: chr16-3640022-C-A.
Other names: short protein forms S1206I.
Identifiers: ClinVar variation 3624761 (VCV003624761.2).